The following is an entry in ClinVar:

NM_025137.4(SPG11):c.7152-1G>C

Gene: SPG11 (SPG11 vesicle trafficking associated, spatacsin; minus strand). Cytogenetic location: 15q21.1.
Variant type: single nucleotide variant.
Coding change: c.7152-1G>C on transcript NM_025137.4 (MANE Select); the canonical splice acceptor site of the intron before coding-DNA position 7152, G replaced by C.
Molecular consequence: splice acceptor variant.
Genome position (GRCh38, 1-based): chr15:44,563,302, C>G on the plus strand (G>C on the coding strand, the complement: SPG11 is on the minus strand). VCF-style: chr15-44563302-C-G. GRCh37 (hg19) VCF-style: chr15-44855500-C-G.
Other names: IVS39AS, G-C, -1; c.7008-1G>C (NM_001411132.1); c.6813-1G>C (NM_001160227.2).
Identifiers: ClinVar variation 1115 (VCV000001115.15), dbSNP rs200079802, ClinGen allele CA339869.

ClinVar aggregate classification (germline): Pathogenic/Likely pathogenic. Review status: criteria provided, multiple submitters, no conflicts (2 of 4 stars). 5 submissions from 5 submitters: Pathogenic (2); Likely pathogenic (1). 2 of the submissions do not count toward it. Last evaluated 2024-12-04.

Conditions:
SPG11-related disorder. Also called: SPG11-related condition.
Hereditary spastic paraplegia 11. Also called: Spastic paraplegia, mental retardation and thin corpus callosum; SPASTIC PARAPLEGIA, AUTOSOMAL RECESSIVE, COMPLICATED, WITH THIN CORPUS CALLOSUM; SPASTIC PARAPLEGIA, AUTOSOMAL RECESSIVE, WITH MENTAL IMPAIRMENT AND THIN CORPUS CALLOSUM; Spastic Paraplegia 11; Nakamura Osame syndrome; Autosomal recessive hereditary spastic paraplegia, mental impairment, and thin corpus callosum. Identifiers: Orphanet 2822, MedGen C1858479, MONDO:0011445, OMIM 604360.

Allele frequency attached by ClinVar (database versions not stated): gnomAD 0.00001; TOPMed 0.00001; gnomAD exomes 0.00004 and 0.00010; ESP Exome Variant Server 0.00008; ExAC 0.00021.
gnomAD v4.1: 73 of 1,611,014 alleles (0.0045%); highest among the groups gnomAD compares: Non-Finnish European, 0.0048%; no homozygotes.

Submissions (5):

PreventionGenetics, part of Exact Sciences
Classification: Likely pathogenic for SPG11-related condition. Last evaluated: 2024-12-04. Review status: criteria provided, single submitter. Criteria: ACMG Guidelines, 2015. Collection method: clinical testing. Allele origin: germline.
Comment: The SPG11 c.7152-1G>C variant is predicted to disrupt the AG splice acceptor site and interfere with normal splicing. This variant is reported in 0.018% of alleles in individuals of European (non-Finnish) descent in gnomAD. Variants that disrupt the consensus splice acceptor site in SPG11 are expected to be pathogenic. This variant is interpreted as likely pathogenic.

Labcorp Genetics (formerly Invitae), Labcorp
Classification: Pathogenic for Hereditary spastic paraplegia 11. Last evaluated: 2024-04-16. Review status: criteria provided, single submitter. Criteria: Invitae Variant Classification Sherloc (09022015). Collection method: clinical testing. Allele origin: germline.
Comment: This sequence change affects an acceptor splice site in intron 39 of the SPG11 gene. While this variant is not anticipated to result in nonsense mediated decay, it likely alters RNA splicing and results in a disrupted protein product. This variant is present in population databases (rs200079802, gnomAD 0.02%). Disruption of this splice site has been observed in individual(s) with SPG11-related conditions (PMID: 19194956; Invitae). In at least one individual the data is consistent with being in trans (on the opposite chromosome) from a pathogenic variant. It has also been observed to segregate with disease in related individuals. ClinVar contains an entry for this variant (Variation ID: 1115). Variants that disrupt the consensus splice site are a relatively common cause of aberrant splicing (PMID: 17576681, 9536098). Algorithms developed to predict the effect of sequence changes on RNA splicing suggest that this variant may disrupt the consensus splice site. For these reasons, this variant has been classified as Pathogenic.

Blueprint Genetics
Classification: Pathogenic for SPG11-related disorders. Last evaluated: 2023-03-06. Review status: criteria provided, single submitter. Criteria: ACMG Guidelines, 2015. Collection method: clinical testing. Allele origin: germline. Affected: yes. Observed: 2 variant alleles.

OMIM
Classification: Pathogenic for SPASTIC PARAPLEGIA 11, AUTOSOMAL RECESSIVE. Last evaluated: 2009-10-05. Review status: no assertion criteria provided. Collection method: literature only. Allele origin: germline. Not counted in ClinVar's aggregate classification.

GeneReviews
No classification provided. Condition: Hereditary spastic paraplegia 11. Review status: no classification provided. Collection method: literature only. Allele origin: unknown. Not counted in ClinVar's aggregate classification.

Literature cited by the submitters: PubMed 19194956 (cited by 3 submitters); PubMed 17576681 (cited by Labcorp Genetics (formerly Invitae), Labcorp); PubMed 9536098 (cited by Labcorp Genetics (formerly Invitae), Labcorp); PubMed 20301389 (cited by GeneReviews); NCBI Bookshelf NBK1210 (cited by GeneReviews).